The following is an entry in ClinVar:

NM_001127511.3(APC):c.25C>G (p.Pro9Ala)

Gene: APC (APC regulator of Wnt signaling pathway; plus strand). Cytogenetic location: 5q22.2.
Variant type: single nucleotide variant.
Coding change: c.25C>G on transcript NM_001127511.3; coding-DNA position 25, C replaced by G.
Protein change: p.Pro9Ala; replaces proline 9 with alanine.
Molecular consequence: missense variant. On other transcripts: 5 prime UTR variant (8), non-coding transcript variant (1), intron variant (5).
Genome position (GRCh38, 1-based): chr5:112,707,742, C>G. VCF-style: chr5-112707742-C-G. GRCh37 (hg19) VCF-style: chr5-112043439-C-G.
Other names: c.-159C>G (NM_001354895.2, NM_001407447.1, NM_001407452.1 and 3 more transcripts); c.25C>G, p.Pro9Ala (NM_001354897.2, NM_001354902.2, NM_001407446.1); c.-1194C>G (NM_001407470.1, NM_001407472.1); c.-19+93C>G (NM_001407448.1, NM_001407450.1, NM_001407457.1 and 1 more transcripts); c.-43+93C>G (NM_001407453.1); short protein forms P9A.
Identifiers: ClinVar variation 1059108 (VCV001059108.7), dbSNP rs1291188034, ClinGen allele CA360611651.

ClinVar aggregate classification (germline): Uncertain significance (1 of 4 stars; one submission).

Conditions:
Familial adenomatous polyposis 1 (FAP1). Also called: FAMILIAL ADENOMATOUS POLYPOSIS 1, ATTENUATED; POLYPOSIS, ADENOMATOUS INTESTINAL. Identifiers: MedGen C2713442, MONDO:0021056, OMIM 175100. Disease mechanism: loss of function.

Submission:

Labcorp Genetics (formerly Invitae), Labcorp
Classification: Uncertain significance for Familial adenomatous polyposis 1. Last evaluated: 2026-01-26. Review status: criteria provided, single submitter. Criteria: Invitae Variant Classification Sherloc (09022015). Collection method: clinical testing. Allele origin: germline.
Comment: This variant occurs in a non-coding region of the APC gene. It does not change the encoded amino acid sequence of the APC protein. This variant is not present in population databases (gnomAD no frequency). This variant has not been reported in the literature in individuals affected with APC-related conditions. Experimental studies and prediction algorithms are not available or were not evaluated, and the functional significance of this variant is currently unknown. In summary, the available evidence is currently insufficient to determine the role of this variant in disease. Therefore, it has been classified as a Variant of Uncertain Significance.